The following is an entry in ClinVar:

NM_001018113.3(FANCB):c.1487C>T (p.Ser496Phe)

Gene: FANCB (FA complementation group B; minus strand). Cytogenetic location: Xp22.2.
Variant type: single nucleotide variant.
Coding change: c.1487C>T on transcript NM_001018113.3 (MANE Select); coding-DNA position 1487, C replaced by T.
Protein change: p.Ser496Phe; replaces serine 496 with phenylalanine.
Molecular consequence: missense variant.
Genome position (GRCh38, 1-based): chrX:14,850,514, G>A on the plus strand (C>T on the coding strand, the complement: FANCB is on the minus strand). VCF-style: chrX-14850514-G-A. GRCh37 (hg19) VCF-style: chrX-14868636-G-A.
Other names: c.1487C>T, p.Ser496Phe (NM_001324162.2, NM_152633.4); short protein forms S496F.
Identifiers: ClinVar variation 456177 (VCV000456177.6), dbSNP rs993307430, ClinGen allele CA412441794.

ClinVar aggregate classification (germline): Uncertain significance (1 of 4 stars; one submission).

Conditions:
Fanconi anemia (FA). Also called: Fanconi's anemia. Identifiers: Orphanet 84, MedGen C0015625, MeSH D005199, MONDO:0019391.

Allele frequency attached by ClinVar (database versions not stated): TOPMed 0.00002.
gnomAD v4.1: 2 of 1,200,475 alleles (0.00017%); highest among the groups gnomAD compares: South Asian, 0.0018%; no homozygotes.

Submission:

Labcorp Genetics (formerly Invitae), Labcorp
Classification: Uncertain significance for Fanconi anemia. Last evaluated: 2021-09-01. Review status: criteria provided, single submitter. Criteria: Invitae Variant Classification Sherloc (09022015). Collection method: clinical testing. Allele origin: germline.
Comment: This sequence change replaces serine with phenylalanine at codon 496 of the FANCB protein (p.Ser496Phe). The serine residue is weakly conserved and there is a large physicochemical difference between serine and phenylalanine. This variant is not present in population databases (ExAC no frequency). This variant has not been reported in the literature in individuals affected with FANCB-related conditions. Algorithms developed to predict the effect of missense changes on protein structure and function are either unavailable or do not agree on the potential impact of this missense change (SIFT: "Deleterious"; PolyPhen-2: "Probably Damaging"; Align-GVGD: "Class C0"). In summary, the available evidence is currently insufficient to determine the role of this variant in disease. Therefore, it has been classified as a Variant of Uncertain Significance.